The following is an entry in ClinVar:

NM_182760.4(SUMF1):c.954+1G>T

Gene: SUMF1 (sulfatase modifying factor 1; minus strand). Cytogenetic location: 3p26.1.
Variant type: single nucleotide variant.
Coding change: c.954+1G>T on transcript NM_182760.4 (MANE Select); the canonical splice donor site of the intron after coding-DNA position 954, G replaced by T.
Molecular consequence: splice donor variant.
Genome position (GRCh38, 1-based): chr3:4,410,864, C>A on the plus strand (G>T on the coding strand, the complement: SUMF1 is on the minus strand). VCF-style: chr3-4410864-C-A. GRCh37 (hg19) VCF-style: chr3-4452548-C-A.
Other names: c.879+1G>T (NM_001164674.2); c.954+1G>T (NM_001164675.2).
Identifiers: ClinVar variation 968367 (VCV000968367.9), dbSNP rs1701516867, ClinGen allele CA351631126.

ClinVar aggregate classification (germline): Likely pathogenic. Review status: criteria provided, multiple submitters, no conflicts (2 of 4 stars). 3 submissions from 3 submitters: Likely pathogenic (3). Last evaluated 2024-06-20.

Conditions:
Multiple sulfatase deficiency (MSD). Also called: Multiple Sulfatase Deficiency Disease; Mucosulfatidosis; Sulfatidosis, Juvenile, Austin Type. Identifiers: Orphanet 585, MedGen C0268263, MONDO:0010088, OMIM 272200.

Submissions (3):

Natera, Inc.
Classification: Likely pathogenic for Multiple sulfatase deficiency. Last evaluated: 2024-06-20. Review status: criteria provided, single submitter. Criteria: Natera Variant Classification Schema (03/2026). Collection method: clinical testing. Allele origin: germline.
Comment: The c.954+1G>T variant in SUMF1 is a canonical splice donor site variant predicted to affect pre-mRNA splicing, which may result in an abnormal transcript and altered protein product. This variant is expected to result in nonsense mediated decay, truncation, or a dysfunctional protein product. This variant is rare in the general population with a frequency below the threshold expected for the associated phenotype(s). Given the available evidence, this variant is classified as Likely Pathogenic.

Fulgent Genetics
Classification: Likely pathogenic for Multiple sulfatase deficiency. Last evaluated: 2024-06-10. Review status: criteria provided, single submitter. Criteria: ACMG Guidelines, 2015. Collection method: clinical testing. Allele origin: germline.

Labcorp Genetics (formerly Invitae), Labcorp
Classification: Likely pathogenic for Multiple sulfatase deficiency. Last evaluated: 2019-11-10. Review status: criteria provided, single submitter. Criteria: Invitae Variant Classification Sherloc (09022015). Collection method: clinical testing. Allele origin: germline.
Comment: In summary, the currently available evidence indicates that the variant is pathogenic, but additional data are needed to prove that conclusively. Therefore, this variant has been classified as Likely Pathogenic. Donor and acceptor splice site variants typically lead to a loss of protein function (PMID: 16199547), and loss-of-function variants in SUMF1 are known to be pathogenic (PMID: 12757705, 12757706, 25885655). Algorithms developed to predict the effect of sequence changes on RNA splicing suggest that this variant may disrupt the consensus splice site, but this prediction has not been confirmed by published transcriptional studies. This variant has not been reported in the literature in individuals with SUMF1-related conditions. This variant is not present in population databases (ExAC no frequency). This sequence change affects a donor splice site in intron 7 of the SUMF1 gene. It is expected to disrupt RNA splicing and likely results in an absent or disrupted protein product.

Literature cited by the submitters: PubMed 16199547 (cited by Labcorp Genetics (formerly Invitae), Labcorp); PubMed 12757705 (cited by Labcorp Genetics (formerly Invitae), Labcorp); PubMed 12757706 (cited by Labcorp Genetics (formerly Invitae), Labcorp); PubMed 25885655 (cited by Labcorp Genetics (formerly Invitae), Labcorp).